The following is an entry in ClinVar:

ClinVar aggregate classification (germline): Conflicting classifications of pathogenicity. Review status: criteria provided, conflicting classifications (1 of 4 stars). 2 submissions from 2 submitters: Uncertain significance (1); Likely benign (1). Last evaluated 2026-01-13.

Conditions:
Ehlers-Danlos syndrome, type 4 (EDSVASC). Also called: Ehlers-Danlos syndrome vascular type; Ehlers Danlos syndrome, ecchymotic type; Ehlers Danlos syndrome, arterial type; Ehlers Danlos syndrome, Sack-Barabas type; Ehlers-Danlos Syndrome Type IV. Identifiers: Orphanet 286, MedGen C0268338, MONDO:0017314, OMIM 130050.
Familial thoracic aortic aneurysm and aortic dissection (TAAD). Also called: Thoracic aortic aneurysms and dissections. Identifiers: Orphanet 91387, MedGen C4707243, MONDO:0019625.

gnomAD v4.1: 4 of 1,614,152 alleles (0.00025%); highest among the groups gnomAD compares: Non-Finnish European, 0.00034%; no homozygotes.

Submissions (2):

Labcorp Genetics (formerly Invitae), Labcorp
Classification: Uncertain significance for Ehlers-Danlos syndrome, type 4. Last evaluated: 2026-01-13. Review status: criteria provided, single submitter. Criteria: Invitae Variant Classification Sherloc (09022015). Collection method: clinical testing. Allele origin: germline.
Comment: This sequence change replaces alanine, which is neutral and non-polar, with valine, which is neutral and non-polar, at codon 1217 of the COL3A1 protein (p.Ala1217Val). This variant is not present in population databases (gnomAD no frequency). This variant has not been reported in the literature in individuals affected with COL3A1-related conditions. Invitae Evidence Modeling of protein sequence and biophysical properties (such as structural, functional, and spatial information, amino acid conservation, physicochemical variation, residue mobility, and thermodynamic stability) indicates that this missense variant is not expected to disrupt COL3A1 protein function with a negative predictive value of 95%. In summary, the available evidence is currently insufficient to determine the role of this variant in disease. Therefore, it has been classified as a Variant of Uncertain Significance.

Color Diagnostics, LLC DBA Color Health
Classification: Likely benign for Familial thoracic aortic aneurysm and aortic dissection. Last evaluated: 2025-08-27. Review status: criteria provided, single submitter. Criteria: ACMG Guidelines, 2015. Collection method: clinical testing. Allele origin: germline.

NM_000090.4(COL3A1):c.3650C>T (p.Ala1217Val)

Gene: COL3A1 (collagen type III alpha 1 chain; plus strand). Cytogenetic location: 2q32.2.
Variant type: single nucleotide variant.
Coding change: c.3650C>T on transcript NM_000090.4 (MANE Select); coding-DNA position 3650, C replaced by T.
Protein change: p.Ala1217Val; replaces alanine 1217 with valine.
Molecular consequence: missense variant.
Genome position (GRCh38, 1-based): chr2:189,009,048, C>T. VCF-style: chr2-189009048-C-T. GRCh37 (hg19) VCF-style: chr2-189873774-C-T.
Other names: short protein forms A1217V.
Identifiers: ClinVar variation 4758852 (VCV004758852.2).